The following is an entry in ClinVar:

NM_000238.4(KCNH2):c.748T>C (p.Ser250Pro)

Gene: KCNH2 (potassium voltage-gated channel subfamily H member 2; minus strand). Cytogenetic location: 7q36.1.
Variant type: single nucleotide variant.
Coding change: c.748T>C on transcript NM_000238.4 (MANE Select); coding-DNA position 748, T replaced by C.
Protein change: p.Ser250Pro; replaces serine 250 with proline.
Molecular consequence: missense variant. On other transcripts: non-coding transcript variant (1).
Genome position (GRCh38, 1-based): chr7:150,958,227, A>G on the plus strand (T>C on the coding strand, the complement: KCNH2 is on the minus strand). VCF-style: chr7-150958227-A-G. GRCh37 (hg19) VCF-style: chr7-150655315-A-G.
Other names: c.460T>C, p.Ser154Pro (NM_001406753.1, NM_001406756.1); c.571T>C, p.Ser191Pro (NM_001406755.1); c.448T>C, p.Ser150Pro (NM_001406757.1); c.748T>C, p.Ser250Pro (NM_172056.3); short protein forms S150P, S154P, S250P, S191P.
Identifiers: ClinVar variation 3724266 (VCV003724266.2).

ClinVar aggregate classification (germline): Uncertain significance (1 of 4 stars; one submission).

Conditions:
Long QT syndrome (LQTS). Identifiers: MedGen C0023976, MeSH D008133, MONDO:0002442. Disease mechanism: loss of function. Inheritance: Various modes of inheritance.

Submission:

Labcorp Genetics (formerly Invitae), Labcorp
Classification: Uncertain significance for Long QT syndrome. Last evaluated: 2024-12-07. Review status: criteria provided, single submitter. Criteria: Invitae Variant Classification Sherloc (09022015). Collection method: clinical testing. Allele origin: germline.
Comment: This sequence change replaces serine, which is neutral and polar, with proline, which is neutral and non-polar, at codon 250 of the KCNH2 protein (p.Ser250Pro). This variant is not present in population databases (gnomAD no frequency). This variant has not been reported in the literature in individuals affected with KCNH2-related conditions. An algorithm developed to predict the effect of missense changes on protein structure and function (PolyPhen-2) suggests that this variant is likely to be tolerated. In summary, the available evidence is currently insufficient to determine the role of this variant in disease. Therefore, it has been classified as a Variant of Uncertain Significance.